The following is an entry in ClinVar:

ClinVar aggregate classification (germline): Uncertain significance (1 of 4 stars; one submission).

Conditions:
Duchenne muscular dystrophy (DMD). Also called: MUSCULAR DYSTROPHY, PSEUDOHYPERTROPHIC PROGRESSIVE, DUCHENNE TYPE; Duchenne Muscular Dystrophy (DMD). Identifiers: Orphanet 98896, MedGen C0013264, MONDO:0010679, OMIM 310200.

gnomAD v4.1: 1 of 1,189,143 alleles (0.000084%); highest among the groups gnomAD compares: Admixed American, 0.0022%; no homozygotes.

Submission:

Labcorp Genetics (formerly Invitae), Labcorp
Classification: Uncertain significance for Duchenne muscular dystrophy. Last evaluated: 2025-10-27. Review status: criteria provided, single submitter. Criteria: Invitae Variant Classification Sherloc (09022015). Collection method: clinical testing. Allele origin: germline.
Comment: This sequence change replaces arginine, which is basic and polar, with threonine, which is neutral and polar, at codon 2218 of the DMD protein (p.Arg2218Thr). This variant is present in population databases (no rsID available, gnomAD 0.004%). This variant has not been reported in the literature in individuals affected with DMD-related conditions. Invitae Evidence Modeling of protein sequence and biophysical properties (such as structural, functional, and spatial information, amino acid conservation, physicochemical variation, residue mobility, and thermodynamic stability) indicates that this missense variant is not expected to disrupt DMD protein function with a negative predictive value of 95%. In summary, the available evidence is currently insufficient to determine the role of this variant in disease. Therefore, it has been classified as a Variant of Uncertain Significance.

NM_004006.3(DMD):c.6653G>C (p.Arg2218Thr)

Gene: DMD (dystrophin; minus strand). Cytogenetic location: Xp21.1.
Variant type: single nucleotide variant.
Coding change: c.6653G>C on transcript NM_004006.3 (MANE Select); coding-DNA position 6653, G replaced by C.
Protein change: p.Arg2218Thr; replaces arginine 2218 with threonine.
Molecular consequence: missense variant. On other transcripts: 5 prime UTR variant (5).
Genome position (GRCh38, 1-based): chrX:31,932,189, C>G on the plus strand (G>C on the coding strand, the complement: DMD is on the minus strand). VCF-style: chrX-31932189-C-G. GRCh37 (hg19) VCF-style: chrX-31950306-C-G.
Other names: c.6629G>C, p.Arg2210Thr (NM_000109.4); c.6641G>C, p.Arg2214Thr (NM_004009.3); c.6284G>C, p.Arg2095Thr (NM_004010.3); c.2630G>C, p.Arg877Thr (NM_004011.4); c.2621G>C, p.Arg874Thr (NM_004012.4); c.-728G>C (NM_004013.3, NM_004020.4, NM_004021.3 and 2 more transcripts); short protein forms R2210T, R2214T, R2218T, R874T, R2095T, R877T.
Identifiers: ClinVar variation 4782186 (VCV004782186.1).